The following is an entry in ClinVar:

ClinVar aggregate classification (germline): Uncertain significance. Review status: criteria provided, multiple submitters, no conflicts (2 of 4 stars). 3 submissions from 3 submitters: Uncertain significance (3). Last evaluated 2024-12-02.

Conditions:
Inborn genetic diseases. Identifiers: MedGen C0950123, MeSH D030342.

Allele frequency attached by ClinVar (database versions not stated): gnomAD exomes 0.00002 and 0.00006; ExAC 0.00003; TOPMed 0.00003; gnomAD 0.00004.
gnomAD v4.1: 31 of 1,612,680 alleles (0.0019%); highest among the groups gnomAD compares: Admixed American, 0.025%; no homozygotes.

Submissions (3):

Labcorp Genetics (formerly Invitae), Labcorp
Classification: Uncertain significance. Last evaluated: 2024-12-02. Review status: criteria provided, single submitter. Criteria: Invitae Variant Classification Sherloc (09022015). Collection method: clinical testing. Allele origin: germline.
Comment: This sequence change replaces alanine, which is neutral and non-polar, with valine, which is neutral and non-polar, at codon 1509 of the KIAA1549 protein (p.Ala1509Val). This variant is present in population databases (rs770998536, gnomAD 0.03%). This variant has not been reported in the literature in individuals affected with KIAA1549-related conditions. ClinVar contains an entry for this variant (Variation ID: 946070). An algorithm developed to predict the effect of missense changes on protein structure and function (PolyPhen-2) suggests that this variant is likely to be disruptive. In summary, the available evidence is currently insufficient to determine the role of this variant in disease. Therefore, it has been classified as a Variant of Uncertain Significance.

Blueprint Genetics
Classification: Uncertain significance. Last evaluated: 2024-07-10. Review status: criteria provided, single submitter. Criteria: ACMG Guidelines, 2015. Collection method: clinical testing. Allele origin: germline.

Ambry Genetics
Classification: Uncertain significance for Inborn genetic diseases. Last evaluated: 2022-08-30. Review status: criteria provided, single submitter. Criteria: Ambry Variant Classification Scheme 2023. Collection method: clinical testing. Allele origin: germline.

NM_001164665.2(KIAA1549):c.4526C>T (p.Ala1509Val)

Gene: KIAA1549 (KIAA1549; minus strand). Cytogenetic location: 7q34.
Variant type: single nucleotide variant.
Coding change: c.4526C>T on transcript NM_001164665.2 (MANE Select); coding-DNA position 4526, C replaced by T.
Protein change: p.Ala1509Val; replaces alanine 1509 with valine.
Molecular consequence: missense variant.
Genome position (GRCh38, 1-based): chr7:138,871,182, G>A on the plus strand (C>T on the coding strand, the complement: KIAA1549 is on the minus strand). VCF-style: chr7-138871182-G-A. GRCh37 (hg19) VCF-style: chr7-138555928-G-A.
Other names: c.4526C>T, p.Ala1509Val (NM_020910.3); short protein forms A1509V.
Identifiers: ClinVar variation 946070 (VCV000946070.8), dbSNP rs770998536, ClinGen allele CA4505866.